The following is an entry in ClinVar:

ClinVar aggregate classification (germline): Conflicting classifications of pathogenicity. Review status: criteria provided, conflicting classifications (1 of 4 stars). 7 submissions from 7 submitters: Uncertain significance (5); Likely benign (1). 1 of the submissions does not count toward it. Last evaluated 2025-03-12.

Conditions:
Hereditary cancer-predisposing syndrome. Also called: Hereditary neoplastic syndrome; Tumor predisposition; Neoplastic Syndromes, Hereditary; Hereditary Cancer Syndrome. Identifiers: Orphanet 140162, MedGen C0027672, MeSH D009386, MONDO:0015356.
Familial cancer of breast. Also called: Hereditary breast cancer; BREAST CANCER, FAMILIAL; hereditary breast carcinoma. Identifiers: Orphanet 227535, MedGen C0346153, MONDO:0016419, OMIM 114480. Disease mechanism: loss of function.

Allele frequency attached by ClinVar (database versions not stated): gnomAD exomes below 0.00001; ExAC 0.00001.

Submissions (7):

Ambry Genetics
Classification: Likely benign for Hereditary cancer-predisposing syndrome. Last evaluated: 2025-03-12. Review status: criteria provided, single submitter. Criteria: Ambry Variant Classification Scheme 2023. Collection method: clinical testing. Allele origin: germline.

Labcorp Genetics (formerly Invitae), Labcorp
Classification: Uncertain significance for Familial cancer of breast. Last evaluated: 2024-10-05. Review status: criteria provided, single submitter. Criteria: Invitae Variant Classification Sherloc (09022015). Collection method: clinical testing. Allele origin: germline.
Comment: This sequence change replaces phenylalanine, which is neutral and non-polar, with leucine, which is neutral and non-polar, at codon 776 of the PALB2 protein (p.Phe776Leu). This variant is present in population databases (rs764925691, gnomAD 0.0009%). This missense change has been observed in individual(s) with breast cancer (PMID: 17200668). ClinVar contains an entry for this variant (Variation ID: 419746). Invitae Evidence Modeling of protein sequence and biophysical properties (such as structural, functional, and spatial information, amino acid conservation, physicochemical variation, residue mobility, and thermodynamic stability) indicates that this missense variant is not expected to disrupt PALB2 protein function with a negative predictive value of 80%. In summary, the available evidence is currently insufficient to determine the role of this variant in disease. Therefore, it has been classified as a Variant of Uncertain Significance.

Quest Diagnostics Nichols Institute San Juan Capistrano
Classification: Uncertain significance. Last evaluated: 2023-06-08. Review status: criteria provided, single submitter. Criteria: Quest Diagnostics criteria. Collection method: clinical testing. Allele origin: unknown.
Comment: In the published literature, this variant has been reported in an individual with breast cancer (PMID: 17200668 (2007)). The frequency of this variant in the general population, 0.000004 (1/251460 chromosomes (Genome Aggregation Database)), is uninformative in the assessment of its pathogenicity. Analysis of this variant using bioinformatics tools for the prediction of the effect of amino acid changes on protein structure and function yielded predictions that this variant is benign. Based on the available information, we are unable to determine the clinical significance of this variant.

Color Diagnostics, LLC DBA Color Health
Classification: Uncertain significance for Hereditary cancer-predisposing syndrome. Last evaluated: 2023-05-31. Review status: criteria provided, single submitter. Criteria: ACMG Guidelines, 2015. Collection method: clinical testing. Allele origin: germline.
Comment: This missense variant replaces phenylalanine with leucine at codon 776 of the PALB2 protein. Computational prediction suggests that this variant may not impact protein structure and function (internally defined REVEL score threshold <= 0.5, PMID: 27666373). To our knowledge, functional studies have not been reported for this variant. This variant has been reported in an individual affected with breast cancer (PMID: 17200668). This variant has been identified in 1/251460 chromosomes in the general population by the Genome Aggregation Database (gnomAD). The available evidence is insufficient to determine the role of this variant in disease conclusively. Therefore, this variant is classified as a Variant of Uncertain Significance.

Myriad Genetics, Inc.
Classification: Uncertain significance for Familial cancer of breast. Last evaluated: 2023-03-30. Review status: criteria provided, single submitter. Criteria: Myriad Autosomal Dominant, Autosomal Recessive and X-Linked Classification Criteria (2023). Collection method: clinical testing. Allele origin: unknown.
Comment: This variant is classified as a variant of uncertain significance as there is insufficient evidence to determine its impact on protein function and/or cancer risk.

GeneDx
Classification: Uncertain significance. Last evaluated: 2015-08-31. Review status: criteria provided, single submitter. Criteria: GeneDx Variant Classification (06012015). Collection method: clinical testing. Allele origin: germline. Affected: yes.
Comment: This variant is denoted PALB2 c.2326T>C at the cDNA level, p.Phe776Leu (F776L) at the protein level, and results in the change of a Phenylalanine to a Leucine (TTC>CTC). This variant has not, to our knowledge, been published in the literature as pathogenic or benign. PALB2 Phe776Leu was not observed in approximately 6,500 individuals of European and African American ancestry in the NHLBI Exome Sequencing Project, indicating it is not a common benign variant in these populations. Since Phenylalanine and Leucine share similar properties, this is considered a conservative amino acid substitution. PALB2 Phe776Leu occurs at a position that is not conserved and is located in the region required for interaction with POLH and POLH DNA synthesis stimulation (UniProt). In silico analyses predict that this variant is unlikely to alter protein structure or function. Based on currently available information, it is unclear whether PALB2 Phe776Leu is pathogenic or benign. We consider it to be a variant of uncertain significance.

Counsyl
Classification: Uncertain significance for Familial cancer of breast. Last evaluated: 2017-11-08. Review status: no assertion criteria provided. Collection method: clinical testing. Allele origin: unknown. Not counted in ClinVar's aggregate classification.

Literature cited by the submitters: PubMed 17200668 (cited by 5 submitters).

NM_024675.4(PALB2):c.2326T>C (p.Phe776Leu)

Gene: PALB2 (partner and localizer of BRCA2; minus strand). Cytogenetic location: 16p12.2.
Variant type: single nucleotide variant.
Coding change: c.2326T>C on transcript NM_024675.4 (MANE Select); coding-DNA position 2326, T replaced by C.
Protein change: p.Phe776Leu; replaces phenylalanine 776 with leucine.
Molecular consequence: missense variant.
Genome position (GRCh38, 1-based): chr16:23,629,828, A>G on the plus strand (T>C on the coding strand, the complement: PALB2 is on the minus strand). VCF-style: chr16-23629828-A-G. GRCh37 (hg19) VCF-style: chr16-23641149-A-G.
Other names: short protein forms F776L.
Identifiers: ClinVar variation 419746 (VCV000419746.21), dbSNP rs764925691, ClinGen allele CA7963593.
Genomic context (GRCh38, chr16:23,629,828, plus strand): 5'-CTTGCCTGCCTGACACTTGCAGGGTGGTATGTGGTTTTGCTGGGCTGCCTGAACTGTCGA[A>G]TTGTTTAGTATCACTGGCAAGACAGACTGAGTCTTTCAAATGAGCAAGTTGGGGTGTGCA-3'
Protein context (NP_078951.2, residues 766-786): SVCLASDTKQ[Phe776Leu]DSSGSPAKPH